The following is an entry in ClinVar:

ClinVar aggregate classification (germline): Pathogenic (1 of 4 stars; one submission).

Submission:

Labcorp Genetics (formerly Invitae), Labcorp
Classification: Pathogenic. Last evaluated: 2025-12-22. Review status: criteria provided, single submitter. Criteria: Invitae Variant Classification Sherloc (09022015). Collection method: clinical testing. Allele origin: germline.
Comment: This sequence change creates a premature translational stop signal (p.Glu423*) in the GDF5 gene. While this is not anticipated to result in nonsense mediated decay, it is expected to disrupt the last 79 amino acid(s) of the GDF5 protein. This variant is not present in population databases (gnomAD no frequency). This variant has not been reported in the literature in individuals affected with GDF5-related conditions. This variant disrupts a region of the GDF5 protein in which other variant(s) (p.Tyr487*) have been determined to be pathogenic (PMID: 18283415; internal data). This suggests that this is a clinically significant region of the protein, and that variants that disrupt it are likely to be disease-causing. For these reasons, this variant has been classified as Pathogenic.

Literature cited by the submitters: PubMed 18283415.

NM_000557.5(GDF5):c.1267G>T (p.Glu423Ter)

Genes: GDF5 (growth differentiation factor 5; minus strand), GDF5-AS1 (GDF5 antisense RNA 1; plus strand). Cytogenetic location: 20q11.22.
Variant type: single nucleotide variant.
Coding change: c.1267G>T on transcript NM_000557.5 (MANE Select); coding-DNA position 1267, G replaced by T.
Protein change: p.Glu423Ter; replaces glutamic acid 423 with a stop codon.
Molecular consequence: nonsense. On other transcripts: non-coding transcript variant (1).
Genome position (GRCh38, 1-based): chr20:35,434,148, C>A on the plus strand (G>T on the coding strand, the complement: GDF5 is on the minus strand). VCF-style: chr20-35434148-C-A. GRCh37 (hg19) VCF-style: chr20-34021946-C-A.
Other names: c.1267G>T, p.Glu423Ter (NM_001319138.2); short protein forms E423*.
Identifiers: ClinVar variation 4733837 (VCV004733837.1).
Genomic context (GRCh38, chr20:35,434,148, plus strand): 5'-GCTCCAGGTGGGAGCGCAATGGGAACTCGCACAGCCCCTCGCAGTGGAAAGCCTCGTACT[C>A]AAGGGGTGCGATGATCCAGTCGTCCCAGCCCATGTCCTTGAAGTTGACATGCAGTGCCTT-3'